The following is an entry in ClinVar:

ClinVar aggregate classification (germline): Pathogenic (1 of 4 stars; one submission).

Conditions:
Inborn genetic diseases. Identifiers: MedGen C0950123, MeSH D030342.

Submission:

Ambry Genetics
Classification: Pathogenic for Inborn genetic diseases. Last evaluated: 2025-05-27. Review status: criteria provided, single submitter. Criteria: Ambry Variant Classification Scheme 2023. Collection method: clinical testing. Allele origin: germline.
Comment: The c.2101C>T (p.Q701*) alteration, located in exon 4 (coding exon 4) of the PRR12 gene, consists of a C to T substitution at nucleotide position 2101. This changes the amino acid from a glutamine (Q) to a stop codon at amino acid position 701. This alteration is expected to result in loss of function by premature protein truncation or nonsense-mediated mRNA decay. This variant was not reported in population-based cohorts in the Genome Aggregation Database (gnomAD). Based on the available evidence, this alteration is classified as pathogenic.

NM_020719.3(PRR12):c.2101C>T (p.Gln701Ter)

Gene: PRR12 (proline rich 12; plus strand). Cytogenetic location: 19q13.33.
Variant type: single nucleotide variant.
Coding change: c.2101C>T on transcript NM_020719.3 (MANE Select); coding-DNA position 2101, C replaced by T.
Protein change: p.Gln701Ter; replaces glutamine 701 with a stop codon.
Molecular consequence: nonsense.
Genome position (GRCh38, 1-based): chr19:49,596,436, C>T. VCF-style: chr19-49596436-C-T. GRCh37 (hg19) VCF-style: chr19-50099693-C-T.
Other names: short protein forms Q701*.
Identifiers: ClinVar variation 3938626 (VCV003938626.1).